The following is an entry in ClinVar:

NM_170601.5(SIAE):c.1107A>C (p.Arg369Ser)

Gene: SIAE (sialic acid acetylesterase; minus strand). Cytogenetic location: 11q24.2.
Variant type: single nucleotide variant.
Coding change: c.1107A>C on transcript NM_170601.5 (MANE Select); coding-DNA position 1107, A replaced by C.
Protein change: p.Arg369Ser; replaces arginine 369 with serine.
Molecular consequence: missense variant.
Genome position (GRCh38, 1-based): chr11:124,639,727, T>G on the plus strand (A>C on the coding strand, the complement: SIAE is on the minus strand). VCF-style: chr11-124639727-T-G. GRCh37 (hg19) VCF-style: chr11-124509623-T-G.
Other names: c.1002A>C, p.Arg334Ser (NM_001199922.2); short protein forms R369S, R334S.
Identifiers: ClinVar variation 3003122 (VCV003003122.3), dbSNP rs773703064, ClinGen allele CA6341300.

ClinVar aggregate classification (germline): Uncertain significance (1 of 4 stars; one submission).

Allele frequency attached by ClinVar (database versions not stated): ExAC 0.00001; gnomAD exomes 0.00002; TOPMed 0.00002; gnomAD 0.00003.
gnomAD v4.1: 32 of 1,614,004 alleles (0.002%); highest among the groups gnomAD compares: Admixed American, 0.005%; no homozygotes.

Submission:

Labcorp Genetics (formerly Invitae), Labcorp
Classification: Uncertain significance. Last evaluated: 2024-09-30. Review status: criteria provided, single submitter. Criteria: Invitae Variant Classification Sherloc (09022015). Collection method: clinical testing. Allele origin: germline.
Comment: This sequence change replaces arginine, which is basic and polar, with serine, which is neutral and polar, at codon 369 of the SIAE protein (p.Arg369Ser). This variant is present in population databases (rs773703064, gnomAD 0.002%). This variant has not been reported in the literature in individuals affected with SIAE-related conditions. An algorithm developed to predict the effect of missense changes on protein structure and function (PolyPhen-2) suggests that this variant is likely to be tolerated. In summary, the available evidence is currently insufficient to determine the role of this variant in disease. Therefore, it has been classified as a Variant of Uncertain Significance.